The following is an entry in ClinVar:

ClinVar aggregate classification (germline): Likely pathogenic (1 of 4 stars; one submission).

Conditions:
Cardiovascular phenotype. Identifiers: MedGen CN230736.

Submission:

Ambry Genetics
Classification: Likely pathogenic for Cardiovascular phenotype. Last evaluated: 2024-03-08. Review status: criteria provided, single submitter. Criteria: Ambry Variant Classification Scheme 2023. Collection method: clinical testing. Allele origin: germline.
Comment: The c.40179delG variant, located in coding exon 146 of the TTN gene, results from a deletion of one nucleotide at nucleotide position 40179, causing a translational frameshift with a predicted alternate stop codon (p.V13395*). This exon is located in the A-band region of the N2-B isoform of the titin protein and is constitutively expressed in TTN transcripts (percent spliced in or PSI 100%). This alteration is expected to result in loss of function by premature protein truncation or nonsense-mediated mRNA decay. While truncating variants in TTN are present in 1-3% of the general population, truncating variants in the A-band are the most common cause of dilated cardiomyopathy (DCM) (Herman DS et al. N. Engl. J. Med., 2012 Feb;366:619-28; Roberts AM et al. Sci Transl Med, 2015 Jan;7:270ra6). TTN truncating variants encoded in constitutive exons (PSI >90%) have been found to be significantly associated with DCM regardless of their position in titin (Schafer S et al. Nat. Genet., 2017 01;49:46-53). This variant is considered to be rare based on population cohorts in the Genome Aggregation Database (gnomAD). Based on the majority of available evidence to date, this variant is likely to be pathogenic.

NM_001267550.2(TTN):c.67374del (p.Lys22459_Val22460insTer)

Genes: TTN (titin; minus strand), TTN-AS1 (TTN antisense RNA 1; plus strand). Cytogenetic location: 2q31.2.
Variant type: Deletion.
Coding change: c.67374del on transcript NM_001267550.2 (MANE Select); coding-DNA position 67374, one base deleted (G; older notation c.67374delG).
Protein change: p.Lys22459_Val22460insTer.
Molecular consequence: frameshift variant.
Genome position (GRCh38, 1-based): chr2:178,579,823, C deleted on the plus strand (G on the coding strand, the reverse complement: TTN is on the minus strand). VCF-style (leftmost placement, unchanged base first): chr2-178579822-TC-T. GRCh37 (hg19) VCF-style: chr2-179444549-TC-T.
Other names: c.62451del, p.Lys20818_Val20819insTer (NM_001256850.1); c.40179del, p.Lys13394_Val13395insTer (NM_003319.4); c.59670del, p.Lys19891_Val19892insTer (NM_133378.4); c.40554del, p.Lys13519_Val13520insTer (NM_133432.3); c.40755del, p.Lys13586_Val13587insTer (NM_133437.4); c.40179delG (NM_003319.4).
Identifiers: ClinVar variation 3223263 (VCV003223263.1), dbSNP rs2468900294, ClinGen allele CA2825001026.
Genomic context (GRCh38, chr2:178,579,822, plus strand): 5'-CATCACTGTGAGGCTTTTTCCAGCCAATGCTACAGGATGACTTAGATACAGACCTCACTT[TC>T]AGGTCCACAACTGGTCCAGGAGTTTCTAAAGCAAAGGAGAAATGATAAGTGTAAGCCCCA-3'